The following is an entry in ClinVar:

ClinVar aggregate classification (germline): Likely benign. Review status: criteria provided, multiple submitters, no conflicts (2 of 4 stars). 3 submissions from 3 submitters: Likely benign (3). Last evaluated 2026-01-21.

Conditions:
Early-infantile DEE. Also called: Ohtahara syndrome; Early infantile epileptic encephalopathy; Early infantile epileptic encephalopathy with suppression bursts. Identifiers: Orphanet 1934, MedGen C0393706, MONDO:0800491.

Allele frequency attached by ClinVar (database versions not stated): ExAC 0.00002; gnomAD exomes 0.00004 and 0.00005; TOPMed 0.00005; gnomAD 0.00006; ESP Exome Variant Server 0.00015.
gnomAD v4.1: 88 of 1,612,730 alleles (0.0055%); highest among the groups gnomAD compares: Non-Finnish European, 0.0071%; no homozygotes.

Submissions (3):

Labcorp Genetics (formerly Invitae), Labcorp
Classification: Likely benign for Early-infantile DEE. Last evaluated: 2026-01-21. Review status: criteria provided, single submitter. Criteria: Invitae Variant Classification Sherloc (09022015). Collection method: clinical testing. Allele origin: germline.

Blueprint Genetics
Classification: Likely benign. Last evaluated: 2023-11-16. Review status: criteria provided, single submitter. Criteria: ACMG Guidelines, 2015. Collection method: clinical testing. Allele origin: germline.

GeneDx
Classification: Likely benign. Last evaluated: 2015-11-24. Review status: criteria provided, single submitter. Criteria: GeneDx Variant Classification (06012015). Collection method: clinical testing. Allele origin: germline. Affected: yes.
Comment: This variant is considered likely benign or benign based on one or more of the following criteria: it is a conservative change, it occurs at a poorly conserved position in the protein, it is predicted to be benign by multiple in silico algorithms, and/or has population frequency not consistent with disease.

NM_001165963.4(SCN1A):c.1170+16C>T

Gene: SCN1A (sodium voltage-gated channel alpha subunit 1; minus strand). Cytogenetic location: 2q24.3.
Variant type: single nucleotide variant.
Coding change: c.1170+16C>T on transcript NM_001165963.4 (MANE Select); 16 bases into the intron after coding-DNA position 1170, C replaced by T.
Molecular consequence: intron variant.
Genome position (GRCh38, 1-based): chr2:166,047,611, G>A on the plus strand (C>T on the coding strand, the complement: SCN1A is on the minus strand). VCF-style: chr2-166047611-G-A. GRCh37 (hg19) VCF-style: chr2-166904121-G-A.
Other names: c.1170+16C>T (NM_001353949.2, NM_001353958.2, NM_001353950.2 and 10 more transcripts); c.-1256+16C>T (NM_001353961.2).
Identifiers: ClinVar variation 381953 (VCV000381953.6), dbSNP rs377618565, ClinGen allele CA1943354.